The following is an entry in ClinVar:

ClinVar aggregate classification (germline): Uncertain significance (1 of 4 stars; one submission).

Allele frequency attached by ClinVar (database versions not stated): gnomAD exomes below 0.00001 and 0.00002; ExAC 0.00004.
gnomAD v4.1: 9 of 1,562,876 alleles (0.00058%); no homozygotes.

Submission:

Labcorp Genetics (formerly Invitae), Labcorp
Classification: Uncertain significance. Last evaluated: 2023-08-01. Review status: criteria provided, single submitter. Criteria: Invitae Variant Classification Sherloc (09022015). Collection method: clinical testing. Allele origin: germline.
Comment: This variant has not been reported in the literature in individuals affected with COL9A2-related conditions. In summary, the available evidence is currently insufficient to determine the role of this variant in disease. Therefore, it has been classified as a Variant of Uncertain Significance. Advanced modeling of protein sequence and biophysical properties (such as structural, functional, and spatial information, amino acid conservation, physicochemical variation, residue mobility, and thermodynamic stability) performed at Invitae indicates that this missense variant is not expected to disrupt COL9A2 protein function. ClinVar contains an entry for this variant (Variation ID: 1511221). This variant is present in population databases (rs761570761, gnomAD 0.02%). This sequence change replaces aspartic acid, which is acidic and polar, with glycine, which is neutral and non-polar, at codon 215 of the COL9A2 protein (p.Asp215Gly).

NM_001852.4(COL9A2):c.644A>G (p.Asp215Gly)

Gene: COL9A2 (collagen type IX alpha 2 chain; minus strand). Cytogenetic location: 1p34.2.
Variant type: single nucleotide variant.
Coding change: c.644A>G on transcript NM_001852.4 (MANE Select); coding-DNA position 644, A replaced by G.
Protein change: p.Asp215Gly; replaces aspartic acid 215 with glycine.
Molecular consequence: missense variant.
Genome position (GRCh38, 1-based): chr1:40,310,754, T>C on the plus strand (A>G on the coding strand, the complement: COL9A2 is on the minus strand). VCF-style: chr1-40310754-T-C. GRCh37 (hg19) VCF-style: chr1-40776426-T-C.
Other names: short protein forms D215G.
Identifiers: ClinVar variation 1511221 (VCV001511221.8), dbSNP rs761570761, ClinGen allele CA791818.